The following is an entry in ClinVar:

NM_000218.3(KCNQ1):c.1394-15384del

Genes: KCNQ1 (potassium voltage-gated channel subfamily Q member 1; plus strand), KCNQ1OT1 (KCNQ1 opposite strand/antisense transcript 1; minus strand). Cytogenetic location: 11p15.5.
Variant type: Deletion.
Coding change: c.1394-15384del on transcript NM_000218.3 (MANE Select); 15384 bases into the intron before coding-DNA position 1394, one base deleted (G; older notation c.1394-15384delG).
Molecular consequence: intron variant. On other transcripts: non-coding transcript variant (1).
Genome position (GRCh38, 1-based): chr11:2,646,577, G deleted; the last of 4 consecutive G bases (chr11:2,646,574-2,646,577); deleting any one gives the same sequence. VCF-style (leftmost placement, unchanged base first): chr11-2646573-TG-T. GRCh37 (hg19) VCF-style: chr11-2667803-TG-T.
Other names: c.1124-15384del (NM_001406837.1); c.1298-15384del (NM_001406836.1); c.854-15384del (NM_001406838.1); c.1013-15384del (NM_181798.2).
Identifiers: ClinVar variation 4875016 (VCV004875016.2).

ClinVar aggregate classification (germline): Uncertain significance (1 of 4 stars; one submission).

Submission:

CeGaT Center for Human Genetics Tuebingen
Classification: Uncertain significance. Last evaluated: 2026-05-01. Review status: criteria provided, single submitter. Criteria: CeGaT Center For Human Genetics Tuebingen Variant Classification Criteria Version 2. Collection method: clinical testing. Allele origin: germline. Affected: yes. Observed: 1 variant allele.
Comment: KCNQ1OT1: PM2